The following is an entry in ClinVar:

NM_001999.4(FBN2):c.7977C>G (p.Ser2659=)

Gene: FBN2 (fibrillin 2; minus strand). Cytogenetic location: 5q23.3.
Variant type: single nucleotide variant.
Coding change: c.7977C>G on transcript NM_001999.4 (MANE Select); coding-DNA position 7977, C replaced by G.
Protein change: p.Ser2659=; no amino-acid change (serine 2659 retained).
Molecular consequence: synonymous variant.
Genome position (GRCh38, 1-based): chr5:128,263,640, G>C on the plus strand (C>G on the coding strand, the complement: FBN2 is on the minus strand). VCF-style: chr5-128263640-G-C. GRCh37 (hg19) VCF-style: chr5-127599332-G-C.
Identifiers: ClinVar variation 392150 (VCV000392150.1), dbSNP rs1057524372, ClinGen allele CA16604777.

ClinVar aggregate classification (germline): Likely benign (1 of 4 stars; one submission).

Allele frequency attached by ClinVar (database versions not stated): gnomAD exomes below 0.00001.

Submission:

GeneDx
Classification: Likely benign. Last evaluated: 2016-12-23. Review status: criteria provided, single submitter. Criteria: GeneDx Variant Classification (06012015). Collection method: clinical testing. Allele origin: germline. Affected: yes.
Comment: This variant is considered likely benign or benign based on one or more of the following criteria: it is a conservative change, it occurs at a poorly conserved position in the protein, it is predicted to be benign by multiple in silico algorithms, and/or has population frequency not consistent with disease.